The following is an entry in ClinVar:

NM_001368882.1(COL13A1):c.1472T>C (p.Ile491Thr)

Gene: COL13A1 (collagen type XIII alpha 1 chain; plus strand). Cytogenetic location: 10q22.1.
Variant type: single nucleotide variant.
Coding change: c.1472T>C on transcript NM_001368882.1 (MANE Select); coding-DNA position 1472, T replaced by C.
Protein change: p.Ile491Thr; replaces isoleucine 491 with threonine.
Molecular consequence: missense variant.
Genome position (GRCh38, 1-based): chr10:69,928,986, T>C. VCF-style: chr10-69928986-T-C. GRCh37 (hg19) VCF-style: chr10-71688742-T-C.
Other names: c.1439T>C, p.Ile480Thr (NM_001130103.2); c.1409T>C, p.Ile470Thr (NM_001320951.2, NM_001368884.1); c.1436T>C, p.Ile479Thr (NM_001368883.1); c.1373T>C, p.Ile458Thr (NM_001368885.1, NM_080801.4, NM_080802.4); c.809T>C, p.Ile270Thr (NM_001368886.1); c.1382T>C, p.Ile461Thr (NM_001368895.1, NM_080800.4); c.1268T>C, p.Ile423Thr (NM_001368896.1, NM_001368898.1, NM_080798.4); c.1295T>C, p.Ile432Thr (NM_001368897.1); and 1 more; short protein forms I423T, I461T, I470T, I479T, I429T, I491T, I270T, I432T.
Identifiers: ClinVar variation 2169878 (VCV002169878.2), dbSNP rs772710488, ClinGen allele CA5534779.

ClinVar aggregate classification (germline): Uncertain significance (1 of 4 stars; one submission).

Allele frequency attached by ClinVar (database versions not stated): gnomAD 0.00001; TOPMed 0.00001; gnomAD exomes 0.00004; ExAC 0.00005.
gnomAD v4.1: 54 of 1,613,196 alleles (0.0033%); highest among the groups gnomAD compares: Non-Finnish European, 0.0044%; no homozygotes.

Submission:

Labcorp Genetics (formerly Invitae), Labcorp
Classification: Uncertain significance. Last evaluated: 2022-08-20. Review status: criteria provided, single submitter. Criteria: Invitae Variant Classification Sherloc (09022015). Collection method: clinical testing. Allele origin: germline.
Comment: In summary, the available evidence is currently insufficient to determine the role of this variant in disease. Therefore, it has been classified as a Variant of Uncertain Significance. Algorithms developed to predict the effect of missense changes on protein structure and function output the following: SIFT: "Tolerated"; PolyPhen-2: "Benign"; Align-GVGD: "Class C0". The threonine amino acid residue is found in multiple mammalian species, which suggests that this missense change does not adversely affect protein function. This variant has not been reported in the literature in individuals affected with COL13A1-related conditions. This variant is present in population databases (rs772710488, gnomAD 0.008%). This sequence change replaces isoleucine, which is neutral and non-polar, with threonine, which is neutral and polar, at codon 480 of the COL13A1 protein (p.Ile480Thr).